The following is an entry in ClinVar:

NM_016239.4(MYO15A):c.6178-1G>A

Gene: MYO15A (myosin XVA; plus strand). Cytogenetic location: 17p11.2.
Variant type: single nucleotide variant.
Coding change: c.6178-1G>A on transcript NM_016239.4 (MANE Select); the canonical splice acceptor site of the intron before coding-DNA position 6178, G replaced by A.
Molecular consequence: splice acceptor variant.
Genome position (GRCh38, 1-based): chr17:18,144,496, G>A. VCF-style: chr17-18144496-G-A. GRCh37 (hg19) VCF-style: chr17-18047810-G-A.
Identifiers: ClinVar variation 290068 (VCV000290068.7), dbSNP rs886044338, ClinGen allele CA10606638.

ClinVar aggregate classification (germline): Pathogenic/Likely pathogenic. Review status: criteria provided, multiple submitters, no conflicts (2 of 4 stars). 3 submissions from 3 submitters: Pathogenic (1); Likely pathogenic (2). Last evaluated 2025-10-10.

Conditions:
Autosomal recessive nonsyndromic hearing loss 3. Also called: NEUROSENSORY NONSYNDROMIC RECESSIVE DEAFNESS 3. Identifiers: Orphanet 90636, MedGen C1838263, MONDO:0010860, OMIM 600316.

Allele frequency attached by ClinVar (database versions not stated): gnomAD exomes below 0.00001.
gnomAD v4.1: 1 of 1,613,182 alleles (0.000062%); highest among the groups gnomAD compares: Non-Finnish European, 0.000085%; no homozygotes.

Submissions (3):

Human Genetics Bochum, Ruhr University Bochum
Classification: Likely pathogenic for Autosomal recessive nonsyndromic hearing loss 3. Last evaluated: 2025-10-10. Review status: criteria provided, single submitter. Criteria: ACMG Guidelines, 2015. Collection method: clinical testing. Allele origin: germline. Affected: yes.
Comment: in compound heterozygous state with c.6845A>G; ACMG criteria used to clasify this variant: PVS1_STR, PM3, PS4_SUP, PM2_SUP

GeneDx
Classification: Likely pathogenic. Last evaluated: 2023-09-26. Review status: criteria provided, single submitter. Criteria: GeneDx Variant Classification Process June 2021. Collection method: clinical testing. Allele origin: germline. Affected: yes.
Comment: Observed in a patient with hearing loss who also possessed a second MYO15A variant (Safka Brozkova et al., 2020); Canonical splice site variant predicted to result in an in-frame loss of the adjacent exon in a gene for which loss of function is a known mechanism of disease; Not observed at significant frequency in large population cohorts (gnomAD); This variant is associated with the following publications: (PMID: Gan[abstract]2022, 32860223)

Eurofins Ntd Llc (ga)
Classification: Pathogenic. Last evaluated: 2016-09-08. Review status: criteria provided, single submitter. Criteria: EGL Classification Definitions 2015. Collection method: clinical testing. Allele origin: germline. Observed: 1 variant allele, 1 heterozygote.